The following is an entry in ClinVar:

ClinVar aggregate classification (germline): Uncertain significance. Review status: criteria provided, multiple submitters, no conflicts (2 of 4 stars). 2 submissions from 2 submitters: Uncertain significance (2). Last evaluated 2023-08-15.

Conditions:
Hereditary nonpolyposis colorectal neoplasms. Identifiers: MedGen C0009405, MeSH D003123.
Lynch syndrome. Identifiers: Orphanet 144, MedGen C4552100, MONDO:0005835. Disease mechanism: loss of function.

Submissions (2):

All of Us Research Program, National Institutes of Health
Classification: Uncertain significance for Lynch syndrome. Last evaluated: 2023-08-15. Review status: criteria provided, single submitter. Criteria: ACMG Guidelines, 2015. Collection method: clinical testing. Allele origin: germline. Inheritance: Autosomal dominant inheritance. Observed: 1 variant allele, 1 heterozygote.
Comment: This missense variant replaces phenylalanine with valine at codon 865 of the MSH6 protein. Computational prediction suggests that this variant may have deleterious impact on protein structure and function (internally defined REVEL score threshold >= 0.7, PMID: 27666373). To our knowledge, functional studies have not been reported for this variant. This variant has not been reported in individuals affected with MSH6-related disorders in the literature. This variant has not been identified in the general population by the Genome Aggregation Database (gnomAD). The available evidence is insufficient to determine the role of this variant in disease conclusively. Therefore, this variant is classified as a Variant of Uncertain Significance.

This study involves interpretation of variants in research participants for the purpose of population health screening. Participant phenotype was not available at the time of variant classification. Additional details can be found in publication PMID: 35346344, PMCID: PMC8962531

Labcorp Genetics (formerly Invitae), Labcorp
Classification: Uncertain significance for Hereditary nonpolyposis colorectal neoplasms. Last evaluated: 2022-01-10. Review status: criteria provided, single submitter. Criteria: Invitae Variant Classification Sherloc (09022015). Collection method: clinical testing. Allele origin: germline.
Comment: In summary, the available evidence is currently insufficient to determine the role of this variant in disease. Therefore, it has been classified as a Variant of Uncertain Significance. Advanced modeling of protein sequence and biophysical properties (such as structural, functional, and spatial information, amino acid conservation, physicochemical variation, residue mobility, and thermodynamic stability) performed at Invitae indicates that this missense variant is expected to disrupt MSH6 protein function. ClinVar contains an entry for this variant (Variation ID: 580778). This variant has not been reported in the literature in individuals affected with MSH6-related conditions. This variant is not present in population databases (gnomAD no frequency). This sequence change replaces phenylalanine, which is neutral and non-polar, with valine, which is neutral and non-polar, at codon 865 of the MSH6 protein (p.Phe865Val).

NM_000179.3(MSH6):c.2593T>G (p.Phe865Val)

Gene: MSH6 (mutS homolog 6; plus strand). Cytogenetic location: 2p16.3.
Variant type: single nucleotide variant.
Coding change: c.2593T>G on transcript NM_000179.3 (MANE Select); coding-DNA position 2593, T replaced by G.
Protein change: p.Phe865Val; replaces phenylalanine 865 with valine.
Molecular consequence: missense variant.
Genome position (GRCh38, 1-based): chr2:47,800,576, T>G. VCF-style: chr2-47800576-T-G. GRCh37 (hg19) VCF-style: chr2-48027715-T-G.
Other names: c.2203T>G, p.Phe735Val (NM_001281492.2); c.1687T>G, p.Phe563Val (NM_001281493.2, NM_001281494.2); short protein forms F865V, F563V, F735V.
Identifiers: ClinVar variation 580778 (VCV000580778.10), dbSNP rs1558665927, ClinGen allele CA346754874.
Genomic context (GRCh38, chr2:47,800,576, plus strand): 5'-TATGAAGAAACTACATACAGCAAGAAGAAGATTATTGATTTTCTTTCTGCTCTGGAAGGA[T>G]TCAAAGTAATGTGTAAAATTATAGGGATCATGGAAGAAGTTGCTGATGGTTTTAAGTCTA-3'
Protein context (NP_000170.1, residues 855-875): IIDFLSALEG[Phe865Val]KVMCKIIGIM